The following is an entry in ClinVar:

ClinVar aggregate classification (germline): Uncertain significance (1 of 4 stars; one submission).

Conditions:
Thrombophilia due to protein C deficiency, autosomal dominant. Also called: PROC DEFICIENCY, AUTOSOMAL DOMINANT; PROTEIN C DEFICIENCY, AUTOSOMAL DOMINANT. Identifiers: Orphanet 745, MedGen C2674321, MONDO:0008316, OMIM 176860. Disease mechanism: loss of function.

Submission:

Labcorp Genetics (formerly Invitae), Labcorp
Classification: Uncertain significance for Thrombophilia due to protein C deficiency, autosomal dominant. Last evaluated: 2020-09-10. Review status: criteria provided, single submitter. Criteria: Invitae Variant Classification Sherloc (09022015). Collection method: clinical testing. Allele origin: germline.
Comment: This sequence change replaces alanine with threonine at codon 69 of the PROC protein (p.Ala69Thr). The alanine residue is highly conserved and there is a small physicochemical difference between alanine and threonine. In summary, the available evidence is currently insufficient to determine the role of this variant in disease. Therefore, it has been classified as a Variant of Uncertain Significance. Algorithms developed to predict the effect of missense changes on protein structure and function are either unavailable or do not agree on the potential impact of this missense change (SIFT: "Deleterious"; PolyPhen-2: "Probably Damaging"; Align-GVGD: "Class C0"). This variant has not been reported in the literature in individuals with PROC-related conditions. This variant is not present in population databases (ExAC no frequency).

NM_000312.4(PROC):c.205G>A (p.Ala69Thr)

Gene: PROC (protein C, inactivator of coagulation factors Va and VIIIa; plus strand). Cytogenetic location: 2q14.3.
Variant type: single nucleotide variant.
Coding change: c.205G>A on transcript NM_000312.4 (MANE Select); coding-DNA position 205, G replaced by A.
Protein change: p.Ala69Thr; replaces alanine 69 with threonine.
Molecular consequence: missense variant.
Genome position (GRCh38, 1-based): chr2:127,421,417, G>A. VCF-style: chr2-127421417-G-A. GRCh37 (hg19) VCF-style: chr2-128178993-G-A.
Other names: c.388G>A, p.Ala130Thr (NM_001375602.1); c.268G>A, p.Ala90Thr (NM_001375603.1, NM_001375604.1, NM_001375606.1); c.205G>A, p.Ala69Thr (NM_001375605.1, NM_001375608.1, NM_001375611.1 and 1 more transcripts); c.289G>A, p.Ala97Thr (NM_001375607.1); c.181G>A, p.Ala61Thr (NM_001375609.1); c.199G>A, p.Ala67Thr (NM_001375610.1); short protein forms A130T, A61T, A67T, A69T, A90T, A97T.
Identifiers: ClinVar variation 1057421 (VCV001057421.9), dbSNP rs2104944789, ClinGen allele CA348398136.